The following is an entry in ClinVar:

NM_000051.4(ATM):c.8987+3G>A

Genes: ATM (ATM serine/threonine kinase; plus strand), C11orf65 (chromosome 11 open reading frame 65; minus strand). Cytogenetic location: 11q22.3.
Variant type: single nucleotide variant.
Coding change: c.8987+3G>A on transcript NM_000051.4 (MANE Select); 3 bases into the intron after coding-DNA position 8987, G replaced by A.
Molecular consequence: intron variant.
Genome position (GRCh38, 1-based): chr11:108,365,221, G>A. VCF-style: chr11-108365221-G-A. GRCh37 (hg19) VCF-style: chr11-108235948-G-A.
Other names: c.8987+3G>A (NM_001351834.2); c.640+20699C>T (NM_001330368.2); c.694+20699C>T (NM_001351110.2).
Identifiers: ClinVar variation 184495 (VCV000184495.31), dbSNP rs56360226, ClinGen allele CA189127.

ClinVar aggregate classification (germline): Conflicting classifications of pathogenicity. Review status: criteria provided, conflicting classifications (1 of 4 stars). 11 submissions from 11 submitters: Uncertain significance (1); Benign (2); Likely benign (5). 3 of the submissions do not count toward it. Last evaluated 2026-01-30.

Conditions:
ATM-related disorder. Also called: ATM-related disorders; ATM-related condition.
Familial ovarian cancer. Identifiers: MedGen C5679802, MONDO:0016248.
Hereditary cancer-predisposing syndrome. Also called: Hereditary Cancer Syndrome; Tumor predisposition; Neoplastic Syndromes, Hereditary; Hereditary neoplastic syndrome. Identifiers: Orphanet 140162, MedGen C0027672, MeSH D009386, MONDO:0015356.
Familial cancer of breast. Also called: hereditary breast carcinoma; BREAST CANCER, FAMILIAL; Hereditary breast cancer. Identifiers: Orphanet 227535, MedGen C0346153, MONDO:0016419, OMIM 114480. Disease mechanism: loss of function.
Ataxia-telangiectasia syndrome (AT). Also called: ATAXIA-TELANGIECTASIA, COMPLEMENTATION GROUP A; ATAXIA-TELANGIECTASIA, FRESNO VARIANT; Ataxia-telangiectasia; Ataxia-telangiectasia, complementation group E; Cerebello-oculocutaneous telangiectasia; Immunodeficiency with ataxia telangiectasia. Identifiers: Orphanet 100, MedGen C0004135, MONDO:0008840, OMIM 208900.

Allele frequency attached by ClinVar (database versions not stated): gnomAD exomes 0.00002 and 0.00011; TOPMed 0.00003; gnomAD 0.00001; ExAC 0.00008.
gnomAD v4.1: 29 of 1,614,064 alleles (0.0018%); highest among the groups gnomAD compares: East Asian, 0.051%; no homozygotes.

Submissions (11):

Labcorp Genetics (formerly Invitae), Labcorp
Classification: Likely benign for Ataxia-telangiectasia syndrome. Last evaluated: 2026-01-30. Review status: criteria provided, single submitter. Criteria: Invitae Variant Classification Sherloc (09022015). Collection method: clinical testing. Allele origin: germline.

Myriad Genetics, Inc.
Classification: Likely benign for Familial cancer of breast. Last evaluated: 2024-06-24. Review status: criteria provided, single submitter. Criteria: Myriad Autosomal Dominant, Autosomal Recessive and X-Linked Classification Criteria (2023). Collection method: clinical testing. Allele origin: unknown.
Comment: This variant is considered likely benign. This variant is intronic and is not expected to impact mRNA splicing.

Women's Health and Genetics/Laboratory Corporation of America, LabCorp
Classification: Benign. Last evaluated: 2021-07-18. Review status: criteria provided, single submitter. Criteria: LabCorp Variant Classification Summary - May 2015. Collection method: clinical testing. Allele origin: germline.
Comment: Variant summary: ATM c.8987+3G>A alters a non-conserved nucleotide located close to a canonical splice site and therefore could affect mRNA splicing, leading to a significantly altered protein sequence. 4/4 computational tools predict no significant impact on normal splicing. However, these predictions have yet to be confirmed by functional studies. The variant allele was found at a frequency of 0.00011 in 251390 control chromosomes, predominantly at a frequency of 0.0015 within the East Asian subpopulation in the gnomAD database. The observed variant frequency within East Asian control individuals in the gnomAD database is approximately 1.5 fold of the estimated maximal expected allele frequency for a pathogenic variant in ATM causing Breast Cancer phenotype (0.001), strongly suggesting that the variant is a benign polymorphism found primarily in populations of East Asian origin. To our knowledge, no occurrence of c.8987+3G>A in individuals affected with Breast Cancer/Ataxia Telangiectasia and no experimental evidence demonstrating its impact on protein function have been reported. Seven clinical diagnostic laboratories have submitted clinical-significance assessments for this variant to ClinVar after 2014 without evidence for independent evaluation. Multiple laboratories reported the variant with conflicting assessments (likely benign, n=4; benign, n=1, VUS, n=2). Based on the majority consensus among peers and the additional evidence outlined above, the variant was classified as benign.

Ambry Genetics
Classification: Likely benign for Hereditary cancer-predisposing syndrome. Last evaluated: 2020-01-03. Review status: criteria provided, single submitter. Criteria: Ambry Variant Classification Scheme 2023. Collection method: clinical testing. Allele origin: germline.

GeneDx
Classification: Likely benign. Last evaluated: 2019-11-20. Review status: criteria provided, single submitter. Criteria: GeneDx Variant Classification Process June 2021. Collection method: clinical testing. Allele origin: germline. Affected: yes.

Athena Diagnostics
Classification: Benign. Last evaluated: 2018-09-10. Review status: criteria provided, single submitter. Criteria: Athena Diagnostics Criteria. Collection method: clinical testing. Allele origin: germline.

Color Diagnostics, LLC DBA Color Health
Classification: Likely benign for Hereditary cancer-predisposing syndrome. Last evaluated: 2016-04-25. Review status: criteria provided, single submitter. Criteria: ACMG Guidelines, 2015. Collection method: clinical testing. Allele origin: germline.

Eurofins Ntd Llc (ga)
Classification: Uncertain significance. Last evaluated: 2016-03-14. Review status: criteria provided, single submitter. Criteria: EGL Classification Definitions 2015. Collection method: clinical testing. Allele origin: germline. Observed: 1 variant allele, 1 heterozygote.

PreventionGenetics, part of Exact Sciences
Classification: Likely benign for ATM-related condition. Last evaluated: 2022-02-24. Review status: no assertion criteria provided. Collection method: clinical testing. Allele origin: germline. Not counted in ClinVar's aggregate classification.
Comment: This variant is classified as likely benign based on ACMG/AMP sequence variant interpretation guidelines (Richards et al. 2015 PMID: 25741868, with internal and published modifications).

Natera, Inc.
Classification: Uncertain significance for Ataxia-telangiectasia. Last evaluated: 2020-01-24. Review status: no assertion criteria provided. Collection method: clinical testing. Allele origin: germline. Not counted in ClinVar's aggregate classification.

Department of Pathology and Laboratory Medicine, Sinai Health System
Classification: Uncertain significance for Familial ovarian cancer. Review status: no assertion criteria provided. Collection method: clinical testing. Allele origin: unknown. Affected: yes. Study: The Canadian Open Genetics Repository (COGR). Not counted in ClinVar's aggregate classification.
Comment: The ATM c.8987+3G>A variant was not identified in the literature nor was it identified in the LOVD 3.0 database. The variant was identified in dbSNP (ID: rs56360226) as "With other allele", ClinVar (classified as likely benign by GeneDx; as uncertain significance by Invitae, Ambry Genetics and one clinical laboratory). The variant was identified in control databases in 29 of 246148 chromosomes at a frequency of 0.0001 increasing the likelihood this could be a low frequency benign variant (Genome Aggregation Database Feb 27, 2017). The variant was observed in the following populations: Other in 2 of 5482 chromosomes (freq: 0.0004), East Asian in 27 of 17246 chromosomes (freq: 0.002); it was not observed in the African, Latino, European, Ashkenazi Jewish, Finnish, or South Asian populations. The c.8987+3G>A variant is located in the 5' splice region but does not affect the invariant +1 and +2 positions. However, positions +3 to +6 are part of the splicing consensus sequence and variants involving these positions sometimes affect splicing. In silico or computational prediction software programs (SpliceSiteFinder, MaxEntScan, NNSPLICE, GeneSplicer) do not predict a difference in splicing. In summary, based on the above information the clinical significance of this variant cannot be determined with certainty at this time. This variant is classified as a variant of uncertain significance.